The following is an entry in ClinVar:

NM_000540.3(RYR1):c.7843C>G (p.Arg2615Gly)

Gene: RYR1 (ryanodine receptor 1; plus strand). Cytogenetic location: 19q13.2.
Variant type: single nucleotide variant.
Coding change: c.7843C>G on transcript NM_000540.3 (MANE Select); coding-DNA position 7843, C replaced by G.
Protein change: p.Arg2615Gly; replaces arginine 2615 with glycine.
Molecular consequence: missense variant.
Genome position (GRCh38, 1-based): chr19:38,502,887, C>G. VCF-style: chr19-38502887-C-G. GRCh37 (hg19) VCF-style: chr19-38993527-C-G.
Other names: c.7843C>G, p.Arg2615Gly (NM_001042723.2); short protein forms R2615G.
Identifiers: ClinVar variation 3069537 (VCV003069537.2), dbSNP rs1222041246, ClinGen allele CA405673541.

ClinVar aggregate classification (germline): Uncertain significance (1 of 4 stars; one submission).

Conditions:
Malignant hyperthermia, susceptibility to, 1 (MHS1). Also called: RYR1-Related Malignant Hyperthermia Susceptibility; Anesthesia related hyperthermia; Malignant hyperpyrexia; Fulminating hyperpyrexia; Pharmacogenic myopathy; Malignant hyperthermia suceptibility 1. Identifiers: Orphanet 423, MedGen C2930980, MONDO:0007783, OMIM 145600.

gnomAD v4.1: 2 of 1,610,984 alleles (0.00012%); highest among the groups gnomAD compares: African/African-American, 0.0013%; no homozygotes.

Submission:

All of Us Research Program, National Institutes of Health
Classification: Uncertain significance for Malignant hyperthermia, susceptibility to, 1. Last evaluated: 2024-09-23. Review status: criteria provided, single submitter. Criteria: ACMG Guidelines, 2015. Collection method: clinical testing. Allele origin: germline. Inheritance: Autosomal dominant inheritance. Observed: 2 variant alleles, 2 heterozygotes.
Comment: This study involves interpretation of variants in research participants for the purpose of population health screening. Participant phenotype was not available at the time of variant classification. Additional details can be found in publication PMID: 35346344, PMCID: PMC8962531